The following is an entry in ClinVar:

ClinVar aggregate classification (germline): Uncertain significance (1 of 4 stars; one submission).

gnomAD v4.1: 3 of 1,613,662 alleles (0.00019%); highest among the groups gnomAD compares: South Asian, 0.0033%; no homozygotes.

Submission:

Mayo Clinic Laboratories, Mayo Clinic
Classification: Uncertain significance. Last evaluated: 2023-10-17. Review status: criteria provided, single submitter. Criteria: ACMG Guidelines, 2015. Collection method: clinical testing. Allele origin: germline. Observed: 1 variant allele.
Comment: PM2_moderate, PVS1_moderate

NM_003126.4(SPTA1):c.4195-1G>A

Gene: SPTA1 (spectrin alpha, erythrocytic 1; minus strand). Cytogenetic location: 1q23.1.
Variant type: single nucleotide variant.
Coding change: c.4195-1G>A on transcript NM_003126.4 (MANE Select); the canonical splice acceptor site of the intron before coding-DNA position 4195, G replaced by A.
Molecular consequence: splice acceptor variant.
Genome position (GRCh38, 1-based): chr1:158,644,397, C>T on the plus strand (G>A on the coding strand, the complement: SPTA1 is on the minus strand). VCF-style: chr1-158644397-C-T. GRCh37 (hg19) VCF-style: chr1-158614187-C-T.
Other names: p.?.
Identifiers: ClinVar variation 3380031 (VCV003380031.1).